The following is an entry in ClinVar:

ClinVar aggregate classification (germline): Conflicting classifications of pathogenicity. Review status: criteria provided, conflicting classifications (1 of 4 stars). 3 submissions from 3 submitters: Uncertain significance (2); Likely benign (1). Last evaluated 2026-05-07.

Conditions:
Gorlin syndrome. Also called: Basal cell nevus syndrome; Nevoid Basal Cell Carcinoma Syndrome. Identifiers: Orphanet 377, MedGen C0004779, MONDO:0007187.
PTCH1-related disorder. Also called: PTCH1-related disorders; PTCH1-related condition.
Hereditary cancer-predisposing syndrome. Also called: Tumor predisposition; Hereditary Cancer Syndrome; Neoplastic Syndromes, Hereditary; Hereditary neoplastic syndrome. Identifiers: Orphanet 140162, MedGen C0027672, MeSH D009386, MONDO:0015356.

Allele frequency attached by ClinVar (database versions not stated): gnomAD exomes below 0.00001.
gnomAD v4.1: 1 of 1,614,032 alleles (0.000062%); highest among the groups gnomAD compares: Non-Finnish European, 0.000085%; no homozygotes.

Submissions (3):

Ambry Genetics
Classification: Uncertain significance for Hereditary cancer-predisposing syndrome. Last evaluated: 2026-05-07. Review status: criteria provided, single submitter. Criteria: Ambry Variant Classification Scheme 2023. Collection method: clinical testing. Allele origin: germline.
Comment: The p.R602Q variant (also known as c.1805G>A), located in coding exon 13 of the PTCH1 gene, results from a G to A substitution at nucleotide position 1805. The arginine at codon 602 is replaced by glutamine, an amino acid with highly similar properties. This amino acid position is conserved. In addition, this alteration is predicted to be deleterious by in silico analysis. Based on the available evidence, the clinical significance of this variant remains unclear.

Labcorp Genetics (formerly Invitae), Labcorp
Classification: Likely benign for Gorlin syndrome. Last evaluated: 2023-08-04. Review status: criteria provided, single submitter. Criteria: Invitae Variant Classification Sherloc (09022015). Collection method: clinical testing. Allele origin: germline.

PreventionGenetics, part of Exact Sciences
Classification: Uncertain significance for PTCH1-related condition. Last evaluated: 2023-03-27. Review status: criteria provided, single submitter. Criteria: ACMG Guidelines, 2015. Collection method: clinical testing. Allele origin: germline.
Comment: The PTCH1 c.1805G>A variant is predicted to result in the amino acid substitution p.Arg602Gln. To our knowledge, this variant has not been reported in the literature. This variant is reported in 0.00088% of alleles in individuals of European (Non-Finnish) descent in gnomAD. At this time, the clinical significance of this variant is uncertain due to the absence of conclusive functional and genetic evidence.

NM_000264.5(PTCH1):c.1805G>A (p.Arg602Gln)

Genes: PTCH1 (patched 1; minus strand), LOC100507346 (uncharacterized LOC100507346; plus strand). Cytogenetic location: 9q22.32.
Variant type: single nucleotide variant.
Coding change: c.1805G>A on transcript NM_000264.5 (MANE Select); coding-DNA position 1805, G replaced by A.
Protein change: p.Arg602Gln; replaces arginine 602 with glutamine.
Molecular consequence: missense variant. On other transcripts: non-coding transcript variant (2).
Genome position (GRCh38, 1-based): chr9:95,469,855, C>T on the plus strand (G>A on the coding strand, the complement: PTCH1 is on the minus strand). VCF-style: chr9-95469855-C-T. GRCh37 (hg19) VCF-style: chr9-98232137-C-T.
Other names: c.1607G>A, p.Arg536Gln (NM_001083602.3); c.1802G>A, p.Arg601Gln (NM_001083603.3); c.1352G>A, p.Arg451Gln (NM_001083604.3, NM_001083605.3, NM_001083606.3 and 1 more transcripts); c.1649G>A, p.Arg550Gln (NM_001354918.2); short protein forms R550Q, R601Q, R602Q, R451Q, R536Q.
Identifiers: ClinVar variation 651781 (VCV000651781.13), dbSNP rs1382474804, ClinGen allele CA374116307.
Genomic context (GRCh38, chr9:95,469,855, plus strand): 5'-AGCAGTCTGAAAATGTACCTTGTAAAACAGCAGAAAATATCCAGTCTCCTGTCCTCGCGT[C>T]GATATAAATCCATGCTGAGAATTGCAGGAAAAATGAGCAGAACCATGGCAAAATTGAACA-3'
Protein context (NP_000255.2, residues 592-612): FPAILSMDLY[Arg602Gln]REDRRLDIFC